The following is an entry in ClinVar:

NM_018993.4(RIN2):c.1145C>T (p.Pro382Leu)

Gene: RIN2 (Ras and Rab interactor 2; plus strand). Cytogenetic location: 20p11.23.
Variant type: single nucleotide variant.
Coding change: c.1145C>T on transcript NM_018993.4 (MANE Select); coding-DNA position 1145, C replaced by T.
Protein change: p.Pro382Leu; replaces proline 382 with leucine.
Molecular consequence: missense variant.
Genome position (GRCh38, 1-based): chr20:19,975,170, C>T. VCF-style: chr20-19975170-C-T. GRCh37 (hg19) VCF-style: chr20-19955814-C-T.
Other names: c.1292C>T, p.Pro431Leu (NM_001242581.2); c.527C>T, p.Pro176Leu (NM_001378238.1); short protein forms P176L, P431L, P382L.
Identifiers: ClinVar variation 2994038 (VCV002994038.1), dbSNP rs1197043473, ClinGen allele CA408361977.

ClinVar aggregate classification (germline): Uncertain significance (1 of 4 stars; one submission).

Allele frequency attached by ClinVar (database versions not stated): TOPMed below 0.00001; gnomAD 0.00001.
gnomAD v4.1: 3 of 1,610,990 alleles (0.00019%); highest among the groups gnomAD compares: African/African-American, 0.0013%; no homozygotes.

Submission:

Labcorp Genetics (formerly Invitae), Labcorp
Classification: Uncertain significance. Last evaluated: 2023-08-30. Review status: criteria provided, single submitter. Criteria: Invitae Variant Classification Sherloc (09022015). Collection method: clinical testing. Allele origin: germline.
Comment: In summary, the available evidence is currently insufficient to determine the role of this variant in disease. Therefore, it has been classified as a Variant of Uncertain Significance. Algorithms developed to predict the effect of missense changes on protein structure and function output the following: SIFT: "Not Available"; PolyPhen-2: "Not Available"; Align-GVGD: "Not Available". The leucine amino acid residue is found in multiple mammalian species, which suggests that this missense change does not adversely affect protein function. This variant has not been reported in the literature in individuals affected with RIN2-related conditions. This variant is not present in population databases (gnomAD no frequency). This sequence change replaces proline, which is neutral and non-polar, with leucine, which is neutral and non-polar, at codon 382 of the RIN2 protein (p.Pro382Leu).